The following is an entry in ClinVar:

NM_000218.3(KCNQ1):c.1905G>A (p.Gly635=)

Genes: KCNQ1 (potassium voltage-gated channel subfamily Q member 1; plus strand), KCNQ1-AS1 (KCNQ1 antisense RNA 1; minus strand). Cytogenetic location: 11p15.4.
Variant type: single nucleotide variant.
Coding change: c.1905G>A on transcript NM_000218.3 (MANE Select); coding-DNA position 1905, G replaced by A.
Protein change: p.Gly635=; no amino-acid change (glycine 635 retained).
Molecular consequence: synonymous variant.
Genome position (GRCh38, 1-based): chr11:2,847,877, G>A. VCF-style: chr11-2847877-G-A. GRCh37 (hg19) VCF-style: chr11-2869107-G-A.
Other names: c.1809G>A, p.Gly603= (NM_001406836.1); c.1635G>A, p.Gly545= (NM_001406837.1); c.1365G>A, p.Gly455= (NM_001406838.1); c.417G>A, p.Gly139= (NM_001406839.1); c.1524G>A, p.Gly508= (NM_181798.2).
Identifiers: ClinVar variation 1128763 (VCV001128763.17), dbSNP rs1003639764, ClinGen allele CA216345249.

ClinVar aggregate classification (germline): Likely benign. Review status: criteria provided, multiple submitters, no conflicts (2 of 4 stars). 5 submissions from 5 submitters: Likely benign (5). Last evaluated 2025-05-04.

Conditions:
Cardiovascular phenotype. Identifiers: MedGen CN230736.
Cardiac arrhythmia. Also called: Cardiac rhythm disease; Arrhythmia. Identifiers: MedGen C0003811, MONDO:0007263, HP:0011675.
Long QT syndrome (LQTS). Identifiers: MedGen C0023976, MeSH D008133, MONDO:0002442. Disease mechanism: loss of function. Inheritance: Various modes of inheritance.

Allele frequency attached by ClinVar (database versions not stated): gnomAD exomes 0.00001 and 0.00002; TOPMed 0.00002; gnomAD 0.00004.
gnomAD v4.1: 34 of 1,580,314 alleles (0.0022%); highest among the groups gnomAD compares: African/African-American, 0.004%; no homozygotes.

Submissions (5):

Labcorp Genetics (formerly Invitae), Labcorp
Classification: Likely benign for Long QT syndrome. Last evaluated: 2025-05-04. Review status: criteria provided, single submitter. Criteria: Invitae Variant Classification Sherloc (09022015). Collection method: clinical testing. Allele origin: germline.

All of Us Research Program, National Institutes of Health
Classification: Likely benign for Long QT syndrome. Last evaluated: 2023-12-13. Review status: criteria provided, single submitter. Criteria: ACMG Guidelines, 2015. Collection method: clinical testing. Allele origin: germline. Inheritance: Autosomal dominant inheritance. Observed: 1 variant allele, 1 heterozygote.
Comment: This study involves interpretation of variants in research participants for the purpose of population health screening. Participant phenotype was not available at the time of variant classification. Additional details can be found in publication PMID: 35346344, PMCID: PMC8962531

Women's Health and Genetics/Laboratory Corporation of America, LabCorp
Classification: Likely benign. Last evaluated: 2022-03-07. Review status: criteria provided, single submitter. Criteria: LabCorp Variant Classification Summary - May 2015. Collection method: clinical testing. Allele origin: germline.
Comment: Variant summary: KCNQ1 c.1905G>A alters a non-conserved nucleotide resulting in a synonymous change. 4/4 computational tools predict no significant impact on normal splicing. However, these predictions have yet to be confirmed by functional studies. The variant allele was found at a frequency of 1e-05 in 192494 control chromosomes. The available data on variant occurrences in the general population are insufficient to allow any conclusion about variant significance. To our knowledge, no occurrence of c.1905G>A in individuals affected with Arrhythmia and no experimental evidence demonstrating its impact on protein function have been reported. Two clinical diagnostic laboratories have submitted clinical-significance assessments for this variant to ClinVar after 2014 without evidence for independent evaluation. All laboratories classified the variant as likely benign. Based on the evidence outlined above, the variant was classified as likely benign.

Color Diagnostics, LLC DBA Color Health
Classification: Likely benign for Cardiac arrhythmia. Last evaluated: 2021-04-29. Review status: criteria provided, single submitter. Criteria: ACMG Guidelines, 2015. Collection method: clinical testing. Allele origin: germline.

Ambry Genetics
Classification: Likely benign for Cardiovascular phenotype. Last evaluated: 2021-01-21. Review status: criteria provided, single submitter. Criteria: Ambry Variant Classification Scheme 2023. Collection method: clinical testing. Allele origin: germline.